The following is an entry in ClinVar:

ClinVar aggregate classification (germline): Pathogenic (1 of 4 stars; one submission).

Submission:

Labcorp Genetics (formerly Invitae), Labcorp
Classification: Pathogenic. Last evaluated: 2023-02-24. Review status: criteria provided, single submitter. Criteria: Invitae Variant Classification Sherloc (09022015). Collection method: clinical testing. Allele origin: germline.
Comment: This variant is not present in population databases (gnomAD no frequency). This sequence change creates a premature translational stop signal (p.Met176Hisfs*16) in the RARS2 gene. It is expected to result in an absent or disrupted protein product. Loss-of-function variants in RARS2 are known to be pathogenic (PMID: 17847012, 22569581, 26083569). This variant has not been reported in the literature in individuals affected with RARS2-related conditions. Algorithms developed to predict the effect of sequence changes on RNA splicing suggest that this variant may disrupt the consensus splice site. For these reasons, this variant has been classified as Pathogenic.

Literature cited by the submitters: PubMed 17847012; PubMed 22569581; PubMed 26083569.

NM_020320.5(RARS2):c.524dup (p.Met176fs)

Gene: RARS2 (arginyl-tRNA synthetase 2, mitochondrial; minus strand). Cytogenetic location: 6q15.
Variant type: Duplication.
Coding change: c.524dup on transcript NM_020320.5 (MANE Select); coding-DNA position 524, one base duplicated (G; older notation c.524dupG).
Protein change: p.Met176fs; shifts the reading frame from methionine 176.
Molecular consequence: frameshift variant. On other transcripts: 5 prime UTR variant (7), non-coding transcript variant (15).
Genome position (GRCh38, 1-based): chr6:87,545,627, C duplicated on the plus strand (G on the coding strand, the reverse complement: RARS2 is on the minus strand); the first of 4 consecutive C bases (chr6:87,545,627-87,545,630); duplicating any one gives the same sequence. VCF-style (leftmost placement, unchanged base first): chr6-87545626-G-GC. GRCh37 (hg19) VCF-style: chr6-88255344-G-GC.
Other names: c.-2dup (NM_001318785.2, NM_001350506.2, NM_001350507.2 and 4 more transcripts); c.524dup, p.Met176fs (NM_001350505.2); short protein forms M176fs.
Identifiers: ClinVar variation 2840398 (VCV002840398.3), dbSNP rs2484186373, ClinGen allele CA2739273339.
Genomic context (GRCh38, chr6:87,545,626, plus strand): 5'-CAAATTGAATTTTACAATGAAATGAAAAATAAAATCTCAAGTGTACTTACCAAACTGCAT[G>GC]CCCCAATCGCCAAGGTAATTTATTCTTATTACTTGATGTCCTAAAGCTTCTTTGAGATTT-3'